The following is an entry in ClinVar:

NM_001004334.4(GPR179):c.2930C>T (p.Ala977Val)

Gene: GPR179 (G protein-coupled receptor 179; minus strand). Cytogenetic location: 17q12.
Variant type: single nucleotide variant.
Coding change: c.2930C>T on transcript NM_001004334.4 (MANE Select); coding-DNA position 2930, C replaced by T.
Protein change: p.Ala977Val; replaces alanine 977 with valine.
Molecular consequence: missense variant.
Genome position (GRCh38, 1-based): chr17:38,330,639, G>A on the plus strand (C>T on the coding strand, the complement: GPR179 is on the minus strand). VCF-style: chr17-38330639-G-A. GRCh37 (hg19) VCF-style: chr17-36486522-G-A.
Other names: short protein forms A977V.
Identifiers: ClinVar variation 4710069 (VCV004710069.1).

ClinVar aggregate classification (germline): Uncertain significance (1 of 4 stars; one submission).

Submission:

Labcorp Genetics (formerly Invitae), Labcorp
Classification: Uncertain significance. Last evaluated: 2025-04-11. Review status: criteria provided, single submitter. Criteria: Invitae Variant Classification Sherloc (09022015). Collection method: clinical testing. Allele origin: germline.
Comment: This sequence change replaces alanine, which is neutral and non-polar, with valine, which is neutral and non-polar, at codon 977 of the GPR179 protein (p.Ala977Val). This variant is not present in population databases (gnomAD no frequency). This variant has not been reported in the literature in individuals affected with GPR179-related conditions. An algorithm developed to predict the effect of missense changes on protein structure and function outputs the following: PolyPhen-2: "Benign". The valine amino acid residue is found in multiple mammalian species, which suggests that this missense change does not adversely affect protein function. In summary, the available evidence is currently insufficient to determine the role of this variant in disease. Therefore, it has been classified as a Variant of Uncertain Significance.